The following is an entry in ClinVar:

NM_002156.5(HSPD1):c.1067T>G (p.Met356Arg)

Gene: HSPD1 (heat shock protein family D (Hsp60) member 1; minus strand). Cytogenetic location: 2q33.1.
Variant type: single nucleotide variant.
Coding change: c.1067T>G on transcript NM_002156.5 (MANE Select); coding-DNA position 1067, T replaced by G.
Protein change: p.Met356Arg; replaces methionine 356 with arginine.
Molecular consequence: missense variant.
Genome position (GRCh38, 1-based): chr2:197,489,150, A>C on the plus strand (T>G on the coding strand, the complement: HSPD1 is on the minus strand). VCF-style: chr2-197489150-A-C. GRCh37 (hg19) VCF-style: chr2-198353874-A-C.
Other names: c.1067T>G, p.Met356Arg (NM_199440.2); short protein forms M356R.
Identifiers: ClinVar variation 1485089 (VCV001485089.8), dbSNP rs2106071590, ClinGen allele CA350199695.

ClinVar aggregate classification (germline): Uncertain significance (1 of 4 stars; one submission).

Conditions:
Spastic paraplegia. Identifiers: MedGen C0037772, HP:0001258.

Submission:

Labcorp Genetics (formerly Invitae), Labcorp
Classification: Uncertain significance for Spastic paraplegia. Last evaluated: 2021-03-10. Review status: criteria provided, single submitter. Criteria: Invitae Variant Classification Sherloc (09022015). Collection method: clinical testing. Allele origin: germline.
Comment: In summary, the available evidence is currently insufficient to determine the role of this variant in disease. Therefore, it has been classified as a Variant of Uncertain Significance. Algorithms developed to predict the effect of missense changes on protein structure and function are either unavailable or do not agree on the potential impact of this missense change (SIFT: "Tolerated"; PolyPhen-2: "Possibly Damaging"; Align-GVGD: "Class C0"). This variant has not been reported in the literature in individuals with HSPD1-related conditions. This variant is not present in population databases (ExAC no frequency). This sequence change replaces methionine with arginine at codon 356 of the HSPD1 protein (p.Met356Arg). The methionine residue is weakly conserved and there is a moderate physicochemical difference between methionine and arginine.